The following is an entry in ClinVar:

NM_000545.8(HNF1A):c.77T>C (p.Leu26Pro)

Gene: HNF1A (HNF1 homeobox A; plus strand). Cytogenetic location: 12q24.31.
Variant type: single nucleotide variant.
Coding change: c.77T>C on transcript NM_000545.8 (MANE Select); coding-DNA position 77, T replaced by C.
Protein change: p.Leu26Pro; replaces leucine 26 with proline.
Molecular consequence: missense variant.
Genome position (GRCh38, 1-based): chr12:120,978,845, T>C. VCF-style: chr12-120978845-T-C. GRCh37 (hg19) VCF-style: chr12-121416648-T-C.
Other names: NM_001306179.2:c.77T>C; c.77T>C, p.Leu26Pro (NM_001306179.2); short protein forms L26P.
Identifiers: ClinVar variation 1676683 (VCV001676683.4), dbSNP rs2135819552, ClinGen allele CA386952705.

ClinVar aggregate classification (germline): Likely pathogenic (3 of 4 stars; one submission).

Conditions:
Monogenic diabetes. Identifiers: Orphanet 183625, MedGen C3888631, MONDO:0015967.

Submission:

ClinGen Monogenic Diabetes Variant Curation Expert Panel
Classification: Likely pathogenic for Monogenic diabetes. Last evaluated: 2025-07-24. Review status: reviewed by expert panel. Criteria: ClinGen Diabetes ACMG Specifications HNF1A V3.0.0. Collection method: curation. Allele origin: germline. Inheritance: Autosomal dominant inheritance.
Comment: The c.77T>C variant in the HNF1 homeobox A gene, HNF1A, causes an amino acid change of leucine to proline at codon 26 (p.(Leu26Pro)) of NM_000545.8. This variant is located within the DNA dimerization domain (codons 1-32) of HNF1A, which is defined as critical for the protein’s function by the ClinGen MDEP (PM1_Supporting) and is absent from gnomAD v4.1.0 (PM2_Supporting). This variant is predicted to be deleterious by computational evidence, with a REVEL score of 0.946, which is greater than the MDEP VCEP threshold of 0.70 (PP3). Additionally, this variant was identified as a de novo occurrence with unconfirmed parental relationships in an individual with diabetes, but whose clinical picture is not highly specific for HNF1A-MODY (MODY probability calculator result <50%) (PS2_Supporting; internal lab contributors). This variant segregated with diabetes, with four informative meioses in one family with MODY (PP1_Moderate; internal lab contributors). This variant was identified in two unrelated individuals with non-autoimmune and non-absolute/near-absolute insulin-deficient diabetes; however, PS4_Moderate cannot be applied because this number is below the ClinGen MDEP threshold (internal lab contributors). In summary, c.77T>C meets the criteria to be classified as likely pathogenic for monogenic diabetes. ACMG/AMP criteria applied, as specified by the ClinGen MDEP (specification version 3.0.0, approved 6/30/2025): PM1_Supporting, PM2_Supporting, PP3, PS2_Supporting, PP4, PP1_Moderate